The following is an entry in ClinVar:

ClinVar aggregate classification (germline): Uncertain significance. Review status: criteria provided, single submitter (1 of 4 stars). 2 submissions from 2 submitters: Uncertain significance (1). 1 of the submissions does not count toward it. Last evaluated 2023-03-22.

Conditions:
Galactosylceramide beta-galactosidase deficiency. Also called: GALACTOCEREBROSIDASE DEFICIENCY; GALC DEFICIENCY; GLOBOID CELL LEUKOENCEPHALOPATHY; Leukodystrophy, Globoid Cell; Krabbe Disease. Identifiers: Orphanet 487, MedGen C0023521, MONDO:0009499, OMIM 245200.

Allele frequency attached by ClinVar (database versions not stated): gnomAD exomes below 0.00001.
gnomAD v4.1: 1 of 1,612,564 alleles (0.000062%); highest among the groups gnomAD compares: African/African-American, 0.0013%; no homozygotes.

Submissions (2):

Labcorp Genetics (formerly Invitae), Labcorp
Classification: Uncertain significance for Galactosylceramide beta-galactosidase deficiency. Last evaluated: 2023-03-22. Review status: criteria provided, single submitter. Criteria: Invitae Variant Classification Sherloc (09022015). Collection method: clinical testing. Allele origin: germline.
Comment: This sequence change replaces leucine, which is neutral and non-polar, with proline, which is neutral and non-polar, at codon 456 of the GALC protein (p.Leu456Pro). This variant is not present in population databases (gnomAD no frequency). This variant has not been reported in the literature in individuals affected with GALC-related conditions. Advanced modeling of protein sequence and biophysical properties (such as structural, functional, and spatial information, amino acid conservation, physicochemical variation, residue mobility, and thermodynamic stability) performed at Invitae indicates that this missense variant is expected to disrupt GALC protein function. In summary, the available evidence is currently insufficient to determine the role of this variant in disease. Therefore, it has been classified as a Variant of Uncertain Significance.

Genetics laboratory, Institute of Kidney Diseases & Research Centre Dr. H.L. Trivedi Institute Of Transplantation Sciences
Classification: Likely pathogenic for Galactosylceramide beta-galactosidase deficiency. Last evaluated: 2024-03-30. Review status: no assertion criteria provided. Collection method: clinical testing. Allele origin: inherited. Inheritance: Autosomal recessive inheritance. Affected: yes. Observed: 1 variant allele, 1 homozygote. Not counted in ClinVar's aggregate classification.
Comment: The missense c.1367T>C (p.Leu456Pro) variant in GALC gene has not been reported previously as a pathogenic variant or as a benign variant, to our knowledge. The p.Leu456Pro variant is novel (not in any individuals) in databases such as gnomAD, TopMed and 1000 Genomes. The variant is not reported in ClinVar database. This sequence change replaces leucine, which is neutral and non-polar, with proline, which is neutral and non-polar, at codon 456 of the GALC protein (p.Leu456Pro).

NM_000153.4(GALC):c.1367T>C (p.Leu456Pro)

Gene: GALC (galactosylceramidase; minus strand). Cytogenetic location: 14q31.3.
Variant type: single nucleotide variant.
Coding change: c.1367T>C on transcript NM_000153.4 (MANE Select); coding-DNA position 1367, T replaced by C.
Protein change: p.Leu456Pro; replaces leucine 456 with proline.
Molecular consequence: missense variant. On other transcripts: non-coding transcript variant (1).
Genome position (GRCh38, 1-based): chr14:87,947,850, A>G on the plus strand (T>C on the coding strand, the complement: GALC is on the minus strand). VCF-style: chr14-87947850-A-G. GRCh37 (hg19) VCF-style: chr14-88414194-A-G.
Other names: c.1298T>C, p.Leu433Pro (NM_001201401.2); c.1289T>C, p.Leu430Pro (NM_001201402.2); c.1199T>C, p.Leu400Pro (NM_001424071.1, NM_001424072.1, NM_001424073.1); c.1019T>C, p.Leu340Pro (NM_001424074.1, NM_001424075.1); c.734T>C, p.Leu245Pro (NM_001424076.1, NM_001424077.1); short protein forms L340P, L430P, L433P, L456P, L245P, L400P.
Identifiers: ClinVar variation 2834865 (VCV002834865.4), dbSNP rs2503363485, ClinGen allele CA390746621.